The following is an entry in ClinVar:

ClinVar aggregate classification (germline): Pathogenic (1 of 4 stars; one submission).

Conditions:
Hereditary cancer-predisposing syndrome. Also called: Neoplastic Syndromes, Hereditary; Tumor predisposition; Hereditary neoplastic syndrome; Hereditary Cancer Syndrome. Identifiers: Orphanet 140162, MedGen C0027672, MeSH D009386, MONDO:0015356.
Cardiovascular phenotype. Identifiers: MedGen CN230736.

Submission:

Ambry Genetics
Classification: Pathogenic for Cardiovascular phenotype; Hereditary cancer-predisposing syndrome. Last evaluated: 2019-03-27. Review status: criteria provided, single submitter. Criteria: Ambry Variant Classification Scheme 2023. Collection method: clinical testing. Allele origin: germline.
Comment: The c.4270delA pathogenic mutation, located in coding exon 32 of the NF1 gene, results from a deletion of one nucleotide at nucleotide position 4270, causing a translational frameshift with a predicted alternate stop codon (p.I1424Yfs*24). This alteration is expected to result in loss of function by premature protein truncation or nonsense-mediated mRNA decay. As such, this alteration is interpreted as a disease-causing mutation.

NM_001042492.3(NF1):c.4333del (p.Ile1445fs)

Gene: NF1 (neurofibromin 1; plus strand). Cytogenetic location: 17q11.2.
Variant type: Deletion.
Coding change: c.4333del on transcript NM_001042492.3 (MANE Select); coding-DNA position 4333, one base deleted (A; older notation c.4333delA).
Protein change: p.Ile1445fs; shifts the reading frame from isoleucine 1445.
Molecular consequence: frameshift variant.
Genome position (GRCh38, 1-based): chr17:31,259,032, A deleted. VCF-style (leftmost placement, unchanged base first): chr17-31259031-GA-G. GRCh37 (hg19) VCF-style: chr17-29586049-GA-G.
Other names: c.4270delA (NM_000267.3); c.4270delA, p.Ile1424Tyrfs (NM_000267.4); short protein forms I1424fs, I1445fs.
Identifiers: ClinVar variation 824743 (VCV000824743.4), dbSNP rs1597745559, ClinGen allele CA915949646.